The following is an entry in ClinVar:

NM_020297.4(ABCC9):c.2424G>C (p.Arg808Ser)

Gene: ABCC9 (ATP binding cassette subfamily C member 9; minus strand). Cytogenetic location: 12p12.1.
Variant type: single nucleotide variant.
Coding change: c.2424G>C on transcript NM_020297.4 (MANE Select); coding-DNA position 2424, G replaced by C.
Protein change: p.Arg808Ser; replaces arginine 808 with serine.
Molecular consequence: missense variant.
Genome position (GRCh38, 1-based): chr12:21,860,971, C>G on the plus strand (G>C on the coding strand, the complement: ABCC9 is on the minus strand). VCF-style: chr12-21860971-C-G. GRCh37 (hg19) VCF-style: chr12-22013905-C-G.
Other names: c.2424G>C, p.Arg808Ser (NM_001377273.1, NM_005691.4); c.1557G>C, p.Arg519Ser (NM_001377274.1); short protein forms R808S, R519S.
Identifiers: ClinVar variation 843631 (VCV000843631.10), dbSNP rs1380897239, ClinGen allele CA384127879.

ClinVar aggregate classification (germline): Uncertain significance (1 of 4 stars; one submission).

Conditions:
Dilated cardiomyopathy 1O (CMD1O). Also called: CARDIOMYOPATHY, DILATED, WITH VENTRICULAR TACHYCARDIA. Identifiers: Orphanet 154, MedGen C1837839, MONDO:0012062, OMIM 608569.

Allele frequency attached by ClinVar (database versions not stated): gnomAD 0.00001; TOPMed 0.00001.
gnomAD v4.1: 1 of 1,610,040 alleles (0.000062%); highest among the groups gnomAD compares: African/African-American, 0.0013%; no homozygotes.

Submission:

Labcorp Genetics (formerly Invitae), Labcorp
Classification: Uncertain significance for Dilated cardiomyopathy 1O. Last evaluated: 2025-12-22. Review status: criteria provided, single submitter. Criteria: Invitae Variant Classification Sherloc (09022015). Collection method: clinical testing. Allele origin: germline.
Comment: This sequence change replaces arginine, which is basic and polar, with serine, which is neutral and polar, at codon 808 of the ABCC9 protein (p.Arg808Ser). This variant also falls at the last nucleotide of exon 19, which is part of the consensus splice site for this exon. This variant is present in population databases (no rsID available, gnomAD 0.01%). This variant has not been reported in the literature in individuals affected with ABCC9-related conditions. ClinVar contains an entry for this variant (Variation ID: 843631). An algorithm developed to predict the effect of missense changes on protein structure and function (PolyPhen-2) suggests that this variant is likely to be disruptive. Variants that disrupt the consensus splice site are a relatively common cause of aberrant splicing (PMID: 17576681, 9536098). Algorithms developed to predict the effect of sequence changes on RNA splicing suggest that this variant may disrupt the consensus splice site. In summary, the available evidence is currently insufficient to determine the role of this variant in disease. Therefore, it has been classified as a Variant of Uncertain Significance.

Literature cited by the submitters: PubMed 17576681; PubMed 9536098.